The following is an entry in ClinVar:

ClinVar aggregate classification (germline): Uncertain significance (1 of 4 stars; one submission).

Conditions:
Beckwith-Wiedemann syndrome (BWS). Also called: EMG SYNDROME; Exomphalos macroglossia gigantism syndrome. Identifiers: Orphanet 116, MedGen C0004903, MONDO:0007534, OMIM 130650.

Allele frequency attached by ClinVar (database versions not stated): gnomAD exomes below 0.00001.

Submission:

Labcorp Genetics (formerly Invitae), Labcorp
Classification: Uncertain significance for Beckwith-Wiedemann syndrome. Last evaluated: 2022-08-02. Review status: criteria provided, single submitter. Criteria: Invitae Variant Classification Sherloc (09022015). Collection method: clinical testing. Allele origin: germline.
Comment: In summary, the available evidence is currently insufficient to determine the role of this variant in disease. Therefore, it has been classified as a Variant of Uncertain Significance. Algorithms developed to predict the effect of missense changes on protein structure and function are either unavailable or do not agree on the potential impact of this missense change (SIFT: "Tolerated"; PolyPhen-2: "Not Available"; Align-GVGD: "Class C0"). ClinVar contains an entry for this variant (Variation ID: 1018618). This variant has not been reported in the literature in individuals affected with CDKN1C-related conditions. This variant is not present in population databases (gnomAD no frequency). This sequence change replaces proline, which is neutral and non-polar, with leucine, which is neutral and non-polar, at codon 284 of the CDKN1C protein (p.Pro284Leu).

NM_001122630.2(CDKN1C):c.818C>T (p.Pro273Leu)

Gene: CDKN1C (cyclin dependent kinase inhibitor 1C; minus strand). Cytogenetic location: 11p15.4.
Variant type: single nucleotide variant.
Coding change: c.818C>T on transcript NM_001122630.2 (MANE Select); coding-DNA position 818, C replaced by T.
Protein change: p.Pro273Leu; replaces proline 273 with leucine.
Molecular consequence: missense variant. On other transcripts: synonymous variant (1).
Genome position (GRCh38, 1-based): chr11:2,884,104, G>A on the plus strand (C>T on the coding strand, the complement: CDKN1C is on the minus strand). VCF-style: chr11-2884104-G-A. GRCh37 (hg19) VCF-style: chr11-2905334-G-A.
Other names: c.851C>T, p.Pro284Leu (NM_000076.2, NM_001362474.2); c.818C>T, p.Pro273Leu (NM_001122631.2); c.286C>T, p.Leu96= (NM_001362475.2); short protein forms P273L, P284L.
Identifiers: ClinVar variation 1018618 (VCV001018618.8), dbSNP rs1848881396, ClinGen allele CA379145039.
Genomic context (GRCh38, chr11:2,884,104, plus strand): 5'-ACGCCAGGGGCGGCGCTTGGAGAGGGACACGGCGCGGGGACATCGCCCGACGACTTCTCA[G>A]GCGCTGATCTCTTGCGCTTGGCGAAGAAATCTGCGGGCGACAGCGCGCGCGGCCGGTCAG-3'
Protein context (NP_001116102.1, residues 263-283): DFFAKRKRSA[Pro273Leu]EKSSGDVPAP